The following is an entry in ClinVar:

ClinVar aggregate classification (germline): Uncertain significance (1 of 4 stars; one submission).

Conditions:
Dilated cardiomyopathy 1HH (CMD1HH). Identifiers: Orphanet 154, MedGen C3151293, MONDO:0013479, OMIM 613881.
Myofibrillar myopathy 6. Identifiers: Orphanet 199340, MedGen C2751831, MONDO:0013061, OMIM 612954.

Submission:

Labcorp Genetics (formerly Invitae), Labcorp
Classification: Uncertain significance for Dilated cardiomyopathy 1HH; Myofibrillar myopathy 6. Last evaluated: 2025-04-14. Review status: criteria provided, single submitter. Criteria: Invitae Variant Classification Sherloc (09022015). Collection method: clinical testing. Allele origin: germline.
Comment: This sequence change replaces proline, which is neutral and non-polar, with serine, which is neutral and polar, at codon 8 of the BAG3 protein (p.Pro8Ser). This variant is not present in population databases (gnomAD no frequency). This variant has not been reported in the literature in individuals affected with BAG3-related conditions. ClinVar contains an entry for this variant (Variation ID: 1382933). An algorithm developed to predict the effect of missense changes on protein structure and function (PolyPhen-2) suggests that this variant is likely to be disruptive. In summary, the available evidence is currently insufficient to determine the role of this variant in disease. Therefore, it has been classified as a Variant of Uncertain Significance.

NM_004281.4(BAG3):c.22C>T (p.Pro8Ser)

Gene: BAG3 (BAG cochaperone 3; plus strand). Cytogenetic location: 10q26.11.
Variant type: single nucleotide variant.
Coding change: c.22C>T on transcript NM_004281.4 (MANE Select); coding-DNA position 22, C replaced by T.
Protein change: p.Pro8Ser; replaces proline 8 with serine.
Molecular consequence: missense variant.
Genome position (GRCh38, 1-based): chr10:119,651,697, C>T. VCF-style: chr10-119651697-C-T. GRCh37 (hg19) VCF-style: chr10-121411209-C-T.
Other names: short protein forms P8S.
Identifiers: ClinVar variation 1382933 (VCV001382933.6), dbSNP rs2134050454, ClinGen allele CA378294008.
Genomic context (GRCh38, chr10:119,651,697, plus strand): 5'-CCCCGCACCCGCGCCCCAGCGGGCAGACCCCAACCCAGCATGAGCGCCGCCACCCACTCG[C>T]CCATGATGCAGGTGGCGTCCGGCAACGGTGACCGCGACCCTTTGCCCCCCGGATGGGAGA-3'
Protein context (NP_004272.2, residues 1-18): MSAATHS[Pro8Ser]MMQVASGNGD